The following is an entry in ClinVar:

ClinVar aggregate classification (germline): Uncertain significance (1 of 4 stars; one submission).

Allele frequency attached by ClinVar (database versions not stated): gnomAD exomes below 0.00001.
gnomAD v4.1: 1 of 1,612,830 alleles (0.000062%); highest among the groups gnomAD compares: Non-Finnish European, 0.000085%; no homozygotes.

Submission:

Labcorp Genetics (formerly Invitae), Labcorp
Classification: Uncertain significance. Last evaluated: 2022-06-27. Review status: criteria provided, single submitter. Criteria: Invitae Variant Classification Sherloc (09022015). Collection method: clinical testing. Allele origin: germline.
Comment: In summary, the available evidence is currently insufficient to determine the role of this variant in disease. Therefore, it has been classified as a Variant of Uncertain Significance. Algorithms developed to predict the effect of missense changes on protein structure and function (SIFT, PolyPhen-2, Align-GVGD) all suggest that this variant is likely to be tolerated. This variant has not been reported in the literature in individuals affected with LONP1-related conditions. This variant is not present in population databases (gnomAD no frequency). This sequence change replaces leucine, which is neutral and non-polar, with valine, which is neutral and non-polar, at codon 112 of the LONP1 protein (p.Leu112Val).

NM_004793.4(LONP1):c.334C>G (p.Leu112Val)

Genes: LONP1 (lon peptidase 1, mitochondrial; minus strand), LOC130063270 (ATAC-STARR-seq lymphoblastoid silent region 9931; plus strand). Cytogenetic location: 19p13.3.
Variant type: single nucleotide variant.
Coding change: c.334C>G on transcript NM_004793.4 (MANE Select); coding-DNA position 334, C replaced by G.
Protein change: p.Leu112Val; replaces leucine 112 with valine.
Molecular consequence: missense variant. On other transcripts: non-coding transcript variant (1), intron variant (1).
Genome position (GRCh38, 1-based): chr19:5,719,799, G>C on the plus strand (C>G on the coding strand, the complement: LONP1 is on the minus strand). VCF-style: chr19-5719799-G-C. GRCh37 (hg19) VCF-style: chr19-5719810-G-C.
Other names: c.142C>G, p.Leu48Val (NM_001276479.2); c.-160+420C>G (NM_001276480.1); short protein forms L112V, L48V.
Identifiers: ClinVar variation 1445674 (VCV001445674.6), dbSNP rs2145644128, ClinGen allele CA403543542.